The following is an entry in ClinVar:

NM_030962.4(SBF2):c.2035G>A (p.Glu679Lys)

Genes: SBF2 (SET binding factor 2; minus strand), LOC101928008 (uncharacterized LOC101928008; plus strand). Cytogenetic location: 11p15.4.
Variant type: single nucleotide variant.
Coding change: c.2035G>A on transcript NM_030962.4 (MANE Select); coding-DNA position 2035, G replaced by A.
Protein change: p.Glu679Lys; replaces glutamic acid 679 with lysine.
Molecular consequence: missense variant.
Genome position (GRCh38, 1-based): chr11:9,858,291, C>T on the plus strand (G>A on the coding strand, the complement: SBF2 is on the minus strand). VCF-style: chr11-9858291-C-T. GRCh37 (hg19) VCF-style: chr11-9879838-C-T.
Other names: c.2035G>A, p.Glu679Lys (NM_001386339.1); c.1906G>A, p.Glu636Lys (NM_001386342.1); short protein forms E679K, E636K.
Identifiers: ClinVar variation 306602 (VCV000306602.20), dbSNP rs7102464, ClinGen allele CA5881660.

ClinVar aggregate classification (germline): Benign. Review status: criteria provided, multiple submitters, no conflicts (2 of 4 stars). 8 submissions from 8 submitters: Benign (8). Last evaluated 2026-02-03.

Conditions:
Charcot-Marie-Tooth disease type 4. Also called: Charcot-Marie-Tooth disease, type IV; Charcot-Marie-Tooth, Type 4. Identifiers: Orphanet 64749, MedGen C4082197, MONDO:0018995.
Charcot-Marie-Tooth disease type 4B2. Also called: Charcot-Marie-Tooth Neuropathy Type 4B2; CHARCOT-MARIE-TOOTH DISEASE, WITH FOCALLY FOLDED MYELIN SHEATHS, AUTOSOMAL RECESSIVE, TYPE 4B2; CMT 4B2; CHARCOT-MARIE-TOOTH DISEASE, DEMYELINATING, TYPE 4B2. Identifiers: Orphanet 99956, MedGen C1858278, MONDO:0011475, OMIM 604563.
Charcot-Marie-Tooth disease. Also called: Charcot-Marie-Tooth Neuropathy; Charcot-Marie-Tooth Hereditary Neuropathy. Identifiers: Orphanet 166, MedGen C0007959, MONDO:0015626.

Allele frequency attached by ClinVar (database versions not stated): gnomAD 0.08286 and 0.08042; gnomAD exomes 0.10446 and 0.07672; 1000 Genomes Project 0.03275; 1000 Genomes Project 30x 0.03326; TOPMed 0.06604; ExAC 0.07512; ESP Exome Variant Server 0.07852.
gnomAD v4.1: 163,911 of 1,613,964 alleles (10%); highest among the groups gnomAD compares: Non-Finnish European, 12%; 10,111 homozygotes.

Submissions (8):

Labcorp Genetics (formerly Invitae), Labcorp
Classification: Benign for Charcot-Marie-Tooth disease type 4. Last evaluated: 2026-02-03. Review status: criteria provided, single submitter. Criteria: Invitae Variant Classification Sherloc (09022015). Collection method: clinical testing. Allele origin: germline.

Blueprint Genetics
Classification: Benign. Last evaluated: 2024-11-27. Review status: criteria provided, single submitter. Criteria: ACMG Guidelines, 2015. Collection method: clinical testing. Allele origin: germline.

Illumina Laboratory Services, Illumina
Classification: Benign for Charcot-Marie-Tooth disease type 4B2. Last evaluated: 2018-01-13. Review status: criteria provided, single submitter. Criteria: ICSL Variant Classification Criteria 13 December 2019. Collection method: clinical testing. Allele origin: germline.
Comment: This variant was observed in the ICSL laboratory as part of a predisposition screen in an ostensibly healthy population. It had not been previously curated by ICSL or reported in the Human Gene Mutation Database (HGMD: prior to June 1st, 2018), and was therefore a candidate for classification through an automated scoring system. Utilizing variant allele frequency, disease prevalence and penetrance estimates, and inheritance mode, an automated score was calculated to assess if this variant is too frequent to cause the disease. Based on the score and internal cut-off values, a variant classified as benign is not then subjected to further curation. The score for this variant resulted in a classification of benign for this disease.

Athena Diagnostics
Classification: Benign. Last evaluated: 2017-07-17. Review status: criteria provided, single submitter. Criteria: Athena Diagnostics Criteria. Collection method: clinical testing. Allele origin: germline.

Mayo Clinic Laboratories, Mayo Clinic
Classification: Benign. Last evaluated: 2015-09-09. Review status: criteria provided, single submitter. Criteria: ACMG Guidelines, 2015. Collection method: clinical testing. Allele origin: germline. Observed: 387 variant alleles.

GeneDx
Classification: Benign. Last evaluated: 2015-03-03. Review status: criteria provided, single submitter. Criteria: GeneDx Variant Classification Process June 2021. Collection method: clinical testing. Allele origin: germline. Affected: yes.

Breakthrough Genomics
Classification: Benign. Review status: criteria provided, single submitter. Criteria: ACMG Guidelines, 2015. Collection method: not provided. Allele origin: germline. Inheritance: Autosomal recessive inheritance. Affected: yes.

Molecular Genetics Laboratory, London Health Sciences Centre
Classification: Benign for Charcot-Marie-Tooth disease. Review status: criteria provided, single submitter. Criteria: ACMG Guidelines, 2015. Collection method: clinical testing. Allele origin: germline. Affected: yes.